The following is an entry in ClinVar:

ClinVar aggregate classification (germline): Uncertain significance. Review status: criteria provided, multiple submitters, no conflicts (2 of 4 stars). 2 submissions from 2 submitters: Uncertain significance (2). Last evaluated 2025-03-03.

Submissions (2):

GeneDx
Classification: Uncertain significance. Last evaluated: 2025-03-03. Review status: criteria provided, single submitter. Criteria: GeneDx Variant Classification Process June 2021. Collection method: clinical testing. Allele origin: germline.
Comment: Not observed at significant frequency in large population cohorts (gnomAD); In silico analysis supports that this missense variant has a deleterious effect on protein structure/function; Has not been previously published as pathogenic or benign to our knowledge

Blueprint Genetics
Classification: Uncertain significance. Last evaluated: 2019-03-15. Review status: criteria provided, single submitter. Criteria: ACMG Guidelines, 2015. Collection method: clinical testing. Allele origin: germline.

NM_000257.4(MYH7):c.3911G>A (p.Gly1304Asp)

Gene: MYH7 (myosin heavy chain 7; minus strand). Cytogenetic location: 14q11.2.
Variant type: single nucleotide variant.
Coding change: c.3911G>A on transcript NM_000257.4 (MANE Select); coding-DNA position 3911, G replaced by A.
Protein change: p.Gly1304Asp; replaces glycine 1304 with aspartic acid.
Molecular consequence: missense variant.
Genome position (GRCh38, 1-based): chr14:23,419,238, C>T on the plus strand (G>A on the coding strand, the complement: MYH7 is on the minus strand). VCF-style: chr14-23419238-C-T. GRCh37 (hg19) VCF-style: chr14-23888447-C-T.
Other names: short protein forms G1304D.
Identifiers: ClinVar variation 1698242 (VCV001698242.4), dbSNP rs2138651374, ClinGen allele CA389041627.